The following is an entry in ClinVar:

ClinVar aggregate classification (germline): Pathogenic. Review status: criteria provided, single submitter (1 of 4 stars). 2 submissions from 2 submitters: Pathogenic (1). 1 of the submissions does not count toward it. Last evaluated 2024-05-09.

Conditions:
Neurodevelopmental disorder with microcephaly, hypotonia, and variable brain anomalies (NMIHBA). Identifiers: Orphanet 544469, MedGen C4479566, MONDO:0060490, OMIM 617481.

Allele frequency attached by ClinVar (database versions not stated): gnomAD exomes below 0.00001 and 0.00001; TOPMed below 0.00001; ExAC 0.00001.
gnomAD v4.1: 7 of 1,613,684 alleles (0.00043%); highest among the groups gnomAD compares: South Asian, 0.0022%; no homozygotes.

Submissions (2):

GeneDx
Classification: Pathogenic. Last evaluated: 2024-05-09. Review status: criteria provided, single submitter. Criteria: GeneDx Variant Classification Process June 2021. Collection method: clinical testing. Allele origin: germline. Affected: yes.
Comment: Published functional studies indicate p.(R297W) significantly reduces cell proliferation and migration and alters microtubule polymerization, demonstrating a damaging effect (Zollo et al., 2017); Not observed at significant frequency in large population cohorts (gnomAD); In silico analysis supports that this missense variant has a deleterious effect on protein structure/function; This variant is associated with the following publications: (PMID: 32134588, 28334956, 34745995, 33105479, 29372174, 28969376, 35379233, 35194938, 38180572)

OMIM
Classification: Pathogenic for NEURODEVELOPMENTAL DISORDER WITH MICROCEPHALY, HYPOTONIA, AND VARIABLE BRAIN ANOMALIES. Last evaluated: 2017-09-19. Review status: no assertion criteria provided. Collection method: literature only. Allele origin: germline. Not counted in ClinVar's aggregate classification.

Literature cited by the submitters: PubMed 28334956 (cited by OMIM).

NM_021222.3(PRUNE1):c.889C>T (p.Arg297Trp)

Gene: PRUNE1 (prune exopolyphosphatase 1; plus strand). Cytogenetic location: 1q21.3.
Variant type: single nucleotide variant.
Coding change: c.889C>T on transcript NM_021222.3 (MANE Select); coding-DNA position 889, C replaced by T.
Protein change: p.Arg297Trp; replaces arginine 297 with tryptophan.
Molecular consequence: missense variant. On other transcripts: non-coding transcript variant (1), intron variant (1).
Genome position (GRCh38, 1-based): chr1:151,028,900, C>T. VCF-style: chr1-151028900-C-T. GRCh37 (hg19) VCF-style: chr1-151001376-C-T.
Other names: c.343C>T, p.Arg115Trp (NM_001303229.2); c.286C>T, p.Arg96Trp (NM_001303243.2); c.774+1573C>T (NM_001303242.2); short protein forms R297W, R96W, R115W.
Identifiers: ClinVar variation 427232 (VCV000427232.7), dbSNP rs752599948, ClinGen allele CA1083899.